The following continues an entry in ClinVar:

NM_000051.4(ATM):c.6088A>G (p.Ile2030Val)

ClinVar aggregate classification (germline): Benign/Likely benign. Benign (18); Likely benign (3).

Submissions 26 to 29 of 29:

Clinical Genetics, Academic Medical Center
Classification: Benign. Review status: no assertion criteria provided. Collection method: clinical testing. Allele origin: germline. Affected: yes. Study: VKGL Data-share Consensus. Not counted in ClinVar's aggregate classification.

Department of Pathology and Laboratory Medicine, Sinai Health System
Classification: Benign for Malignant tumor of breast. Review status: no assertion criteria provided. Collection method: clinical testing. Allele origin: unknown. Affected: yes. Observed: 1 variant allele. Study: The Canadian Open Genetics Repository (COGR). Not counted in ClinVar's aggregate classification.
Comment: The ATM p.Ile2030Val variant was identified in 5 of 3368 proband chromosomes (frequency: 0.001) from individuals or families with breast cancer or lynch syndrome and was present in 1 of 162 control chromosomes (Ho 2017, Iannuzzi 2002, Teraoka 2001, Yorczyk 2015, Yurgelun 2015). The variant was also identified in dbSNP (ID: rs145847315) as â€šÃ„ÃºWith other alleleâ€šÃ„Ã¹, ClinVar (as benign by Invitae, GeneDx, Ambry Genetics, EDL Genetic Diagnostics, University of Chicago, and Color Genomics, and as likely benign by Counsyl, and Institute for Biomarker Research), Clinvitae (4x), databases. The variant was not identified in Cosmic, MutDB, LOVD 3.0, or ATM-LOVD databases. The variant was identified in control databases in 444 of 277186 chromosomes (6 homozygous) at a frequency of 0.001 increasing the likelihood this could be a low frequency benign variant (Genome Aggregation Database Feb 27, 2017). The variant was observed in the following populations: African in 417 of 24038 chromosomes (freq: 0.02), Other in 4 of 6466 chromosomes (freq: 0.001), Latino in 19 of 34416 chromosomes (freq: 0.001), European in 4 of 126698 chromosomes (freq: 0.00003), while the variant was not observed in the Ashkenazi Jewish, East Asian, Finnish, and South Asian populations. The p.Ile2030 residue is not conserved in mammals and computational analyses (PolyPhen-2, SIFT, AlignGVGD, BLOSUM, MutationTaster) do not suggest a high likelihood of impact to the protein; however, this information is not predictive enough to rule out pathogenicity. The variant occurs outside of the splicing consensus sequence and 1 of 5 in silico or computational prediction software programs (SpliceSiteFinder, MaxEntScan, NNSPLICE, GeneSplicer, HumanSpliceFinder) predict a greater than 10% difference in splicing; this is not very predictive of pathogenicity. In summary, based on the above information this variant meets our laboratory's criteria to be classified as benign.

Genome Diagnostics Laboratory, Amsterdam University Medical Center
Classification: Benign. Review status: no assertion criteria provided. Collection method: clinical testing. Allele origin: germline. Affected: yes. Study: VKGL Data-share Consensus. Not counted in ClinVar's aggregate classification.

Laboratory of Diagnostic Genome Analysis, Leiden University Medical Center (LUMC)
Classification: Likely benign. Review status: no assertion criteria provided. Collection method: clinical testing. Allele origin: germline. Affected: yes. Study: VKGL Data-share Consensus. Not counted in ClinVar's aggregate classification.

Literature cited by the submitters: PubMed 25085752 (cited by Myriad Genetics, Inc.); PubMed 17517479 (cited by 3 submitters); PubMed 11746755 (cited by 4 submitters); PubMed 11505391 (cited by 3 submitters); PubMed 25318351 (cited by Quest Diagnostics Nichols Institute San Juan Capistrano); PubMed 22995991 (cited by 3 submitters); PubMed 24728327 (cited by 4 submitters); PubMed 11849780 (cited by Illumina Laboratory Services, Illumina and Counsyl).